The following is an entry in ClinVar:

ClinVar aggregate classification (germline): Uncertain significance (1 of 4 stars; one submission).

Submission:

Labcorp Genetics (formerly Invitae), Labcorp
Classification: Uncertain significance. Last evaluated: 2023-08-30. Review status: criteria provided, single submitter. Criteria: Invitae Variant Classification Sherloc (09022015). Collection method: clinical testing. Allele origin: germline.
Comment: In summary, the available evidence is currently insufficient to determine the role of this variant in disease. Therefore, it has been classified as a Variant of Uncertain Significance. Advanced modeling of protein sequence and biophysical properties (such as structural, functional, and spatial information, amino acid conservation, physicochemical variation, residue mobility, and thermodynamic stability) has been performed at Invitae for this missense variant, however the output from this modeling did not meet the statistical confidence thresholds required to predict the impact of this variant on TTPA protein function. This variant has not been reported in the literature in individuals affected with TTPA-related conditions. This variant is not present in population databases (gnomAD no frequency). This sequence change replaces alanine, which is neutral and non-polar, with threonine, which is neutral and polar, at codon 58 of the TTPA protein (p.Ala58Thr).

NM_000370.3(TTPA):c.172G>A (p.Ala58Thr)

Gene: TTPA (alpha tocopherol transfer protein; minus strand). Cytogenetic location: 8q12.3.
Variant type: single nucleotide variant.
Coding change: c.172G>A on transcript NM_000370.3 (MANE Select); coding-DNA position 172, G replaced by A.
Protein change: p.Ala58Thr; replaces alanine 58 with threonine.
Molecular consequence: missense variant. On other transcripts: non-coding transcript variant (3).
Genome position (GRCh38, 1-based): chr8:63,085,850, C>T on the plus strand (G>A on the coding strand, the complement: TTPA is on the minus strand). VCF-style: chr8-63085850-C-T. GRCh37 (hg19) VCF-style: chr8-63998409-C-T.
Other names: c.172G>A, p.Ala58Thr (NM_001413414.1, NM_001413415.1, NM_001413416.1 and 2 more transcripts); short protein forms A58T.
Identifiers: ClinVar variation 2854816 (VCV002854816.2), dbSNP rs982650476, ClinGen allele CA371403412.